The following is an entry in ClinVar:

ClinVar aggregate classification (germline): Likely benign (0 of 4 stars; one submission).

Conditions:
DROSHA-related disorder. Also called: DROSHA-related condition.

Allele frequency attached by ClinVar (database versions not stated): gnomAD exomes 0.00004; gnomAD 0.00005; ExAC 0.00008.

Submission:

PreventionGenetics, part of Exact Sciences
Classification: Likely benign for DROSHA-related condition. Last evaluated: 2022-05-20. Review status: no assertion criteria provided. Collection method: clinical testing. Allele origin: germline.
Comment: This variant is classified as likely benign based on ACMG/AMP sequence variant interpretation guidelines (Richards et al. 2015 PMID: 25741868, with internal and published modifications).

NM_001382508.1(DROSHA):c.3855-7C>T

Gene: DROSHA (drosha ribonuclease III; minus strand). Cytogenetic location: 5p13.3.
Variant type: single nucleotide variant.
Coding change: c.3855-7C>T on transcript NM_001382508.1 (MANE Select); 7 bases into the intron before coding-DNA position 3855, C replaced by T.
Molecular consequence: intron variant.
Genome position (GRCh38, 1-based): chr5:31,406,952, G>A on the plus strand (C>T on the coding strand, the complement: DROSHA is on the minus strand). VCF-style: chr5-31406952-G-A. GRCh37 (hg19) VCF-style: chr5-31407059-G-A.
Other names: c.3855-7C>T (NM_013235.5); c.3744-7C>T (NM_001100412.2).
Identifiers: ClinVar variation 3037453 (VCV003037453.2), dbSNP rs772930402, ClinGen allele CA3217101.